The following is an entry in ClinVar:

ClinVar aggregate classification (germline): Uncertain significance. Review status: criteria provided, multiple submitters, no conflicts (2 of 4 stars). 3 submissions from 3 submitters: Uncertain significance (3). Last evaluated 2024-07-24.

Conditions:
Aortic aneurysm, familial thoracic 7 (AAT7). Also called: AORTIC DISSECTION, FAMILIAL, WITH OR WITHOUT AORTIC ANEURYSM. Identifiers: MedGen C3151077, MONDO:0013418, OMIM 613780.
Familial thoracic aortic aneurysm and aortic dissection (TAAD). Also called: Thoracic aortic aneurysms and dissections. Identifiers: Orphanet 91387, MedGen C4707243, MONDO:0019625.

Allele frequency attached by ClinVar (database versions not stated): ExAC below 0.00001; TOPMed below 0.00001; gnomAD 0.00002; gnomAD exomes 0.00002.
gnomAD v4.1: 15 of 1,594,914 alleles (0.00094%); highest among the groups gnomAD compares: Admixed American, 0.016%; no homozygotes.

Submissions (3):

Ambry Genetics
Classification: Uncertain significance for Familial thoracic aortic aneurysm and aortic dissection. Last evaluated: 2024-07-24. Review status: criteria provided, single submitter. Criteria: Ambry Variant Classification Scheme 2023. Collection method: clinical testing. Allele origin: germline.
Comment: The p.D1189G variant (also known as c.3566A>G) is located in coding exon 17 of the MYLK gene. The aspartic acid at codon 1189 is replaced by glycine, an amino acid with similar properties. This change occurs in the first base pair of coding exon 17. This amino acid position is conserved. In addition, this alteration is predicted to be tolerated by in silico analysis. Based on the available evidence, the clinical significance of this variant remains unclear.

Labcorp Genetics (formerly Invitae), Labcorp
Classification: Uncertain significance for Aortic aneurysm, familial thoracic 7. Last evaluated: 2024-06-09. Review status: criteria provided, single submitter. Criteria: Invitae Variant Classification Sherloc (09022015). Collection method: clinical testing. Allele origin: germline.
Comment: This sequence change replaces aspartic acid, which is acidic and polar, with glycine, which is neutral and non-polar, at codon 1189 of the MYLK protein (p.Asp1189Gly). This variant is present in population databases (rs762850441, gnomAD 0.02%). This variant has not been reported in the literature in individuals affected with MYLK-related conditions. ClinVar contains an entry for this variant (Variation ID: 843842). Algorithms developed to predict the effect of missense changes on protein structure and function output the following: SIFT: "Not Available"; PolyPhen-2: "Benign"; Align-GVGD: "Not Available". The glycine amino acid residue is found in multiple mammalian species, which suggests that this missense change does not adversely affect protein function. In summary, the available evidence is currently insufficient to determine the role of this variant in disease. Therefore, it has been classified as a Variant of Uncertain Significance.

GeneDx
Classification: Uncertain significance. Last evaluated: 2019-04-09. Review status: criteria provided, single submitter. Criteria: GeneDx Variant Classification Process June 2021. Collection method: clinical testing. Allele origin: germline. Affected: yes.
Comment: Not observed at a significant frequency in large population cohorts (Lek et al., 2016); In silico analysis, which includes protein predictors and evolutionary conservation, supports a deleterious effect; Has not been previously published as pathogenic or benign to our knowledge

NM_053025.4(MYLK):c.3566A>G (p.Asp1189Gly)

Gene: MYLK (myosin light chain kinase; minus strand). Cytogenetic location: 3q21.1.
Variant type: single nucleotide variant.
Coding change: c.3566A>G on transcript NM_053025.4 (MANE Select); coding-DNA position 3566, A replaced by G.
Protein change: p.Asp1189Gly; replaces aspartic acid 1189 with glycine.
Molecular consequence: missense variant.
Genome position (GRCh38, 1-based): chr3:123,682,310, T>C on the plus strand (A>G on the coding strand, the complement: MYLK is on the minus strand). VCF-style: chr3-123682310-T-C. GRCh37 (hg19) VCF-style: chr3-123401157-T-C.
Other names: c.3038A>G, p.Asp1013Gly (NM_001321309.2); c.3359A>G, p.Asp1120Gly (NM_053026.4, NM_053028.4); c.3566A>G, p.Asp1189Gly (NM_053027.4); short protein forms D1120G, D1189G, D1013G.
Identifiers: ClinVar variation 843842 (VCV000843842.10), dbSNP rs762850441, ClinGen allele CA069837.